The following is an entry in ClinVar:

ClinVar aggregate classification (germline): Uncertain significance (1 of 4 stars; one submission).

gnomAD v4.1: 5 of 1,458,566 alleles (0.00034%); highest among the groups gnomAD compares: Non-Finnish European, 0.00046%; no homozygotes.

Submission:

Ambry Genetics
Classification: Uncertain significance. Last evaluated: 2026-09-14. Review status: criteria provided, single submitter. Criteria: Ambry Variant Classification Scheme 2023. Collection method: clinical testing. Allele origin: germline.
Comment: The p.R35Q variant (also known as c.104G>A), located in coding exon 1 of the RASA2 gene, results from a G to A substitution at nucleotide position 104. The arginine at codon 35 is replaced by glutamine, an amino acid with highly similar properties. This amino acid position is conserved. In addition, this alteration is predicted to be tolerated by in silico analysis. Based on the available evidence, the clinical significance of this variant remains unclear.

NM_006506.5(RASA2):c.104G>A (p.Arg35Gln)

Genes: RASA2 (RAS p21 protein activator 2; plus strand), LOC129937686 (ATAC-STARR-seq lymphoblastoid silent region 14777; plus strand). Cytogenetic location: 3q23.
Variant type: single nucleotide variant.
Coding change: c.104G>A on transcript NM_006506.5 (MANE Select); coding-DNA position 104, G replaced by A.
Protein change: p.Arg35Gln; replaces arginine 35 with glutamine.
Molecular consequence: missense variant.
Genome position (GRCh38, 1-based): chr3:141,487,187, G>A. VCF-style: chr3-141487187-G-A. GRCh37 (hg19) VCF-style: chr3-141206029-G-A.
Other names: c.104G>A, p.Arg35Gln (NM_001303245.3, NM_001303246.3); short protein forms R35Q.
Identifiers: ClinVar variation 5027896 (VCV005027896.1).